The following is an entry in ClinVar:

ClinVar aggregate classification (germline): Uncertain significance (1 of 4 stars; one submission).

Allele frequency attached by ClinVar (database versions not stated): TOPMed below 0.00001; gnomAD 0.00001; gnomAD exomes 0.00001; ExAC 0.00003.
gnomAD v4.1: 12 of 1,610,758 alleles (0.00074%); highest among the groups gnomAD compares: Non-Finnish European, 0.00017%; no homozygotes.

Submission:

Labcorp Genetics (formerly Invitae), Labcorp
Classification: Uncertain significance. Last evaluated: 2024-02-10. Review status: criteria provided, single submitter. Criteria: Invitae Variant Classification Sherloc (09022015). Collection method: clinical testing. Allele origin: germline.
Comment: This sequence change replaces alanine, which is neutral and non-polar, with proline, which is neutral and non-polar, at codon 214 of the TNFRSF6B protein (p.Ala214Pro). This variant is present in population databases (rs749898916, gnomAD 0.05%). This variant has not been reported in the literature in individuals affected with TNFRSF6B-related conditions. ClinVar contains an entry for this variant (Variation ID: 1936739). An algorithm developed to predict the effect of missense changes on protein structure and function (PolyPhen-2) suggests that this variant is likely to be disruptive. In summary, the available evidence is currently insufficient to determine the role of this variant in disease. Therefore, it has been classified as a Variant of Uncertain Significance.

NM_003823.4(TNFRSF6B):c.640G>C (p.Ala214Pro)

Genes: RTEL1-TNFRSF6B (RTEL1-TNFRSF6B readthrough (NMD candidate); plus strand), TNFRSF6B (TNF receptor superfamily member 6b; plus strand). Cytogenetic location: 20q13.33.
Variant type: single nucleotide variant.
Coding change: c.640G>C on transcript NM_003823.4 (MANE Select); coding-DNA position 640, G replaced by C.
Protein change: p.Ala214Pro; replaces alanine 214 with proline.
Molecular consequence: missense variant. On other transcripts: non-coding transcript variant (1).
Genome position (GRCh38, 1-based): chr20:63,698,300, G>C. VCF-style: chr20-63698300-G-C. GRCh37 (hg19) VCF-style: chr20-62329653-G-C.
Other names: short protein forms A214P.
Identifiers: ClinVar variation 1936739 (VCV001936739.5), dbSNP rs749898916, ClinGen allele CA9966542.